The following is an entry in ClinVar:

ClinVar aggregate classification (germline): Uncertain significance. Review status: criteria provided, multiple submitters, no conflicts (2 of 4 stars). 2 submissions from 2 submitters: Uncertain significance (2). Last evaluated 2025-12-04.

Conditions:
MHC class II deficiency. Also called: Bare lymphocyte syndrome 2; BLS, TYPE II. Identifiers: Orphanet 572, MedGen C5447452, MONDO:0008855.

Allele frequency attached by ClinVar (database versions not stated): gnomAD exomes 0.00001; ExAC 0.00002; TOPMed 0.00002; gnomAD 0.00007.
gnomAD v4.1: 26 of 1,611,386 alleles (0.0016%); highest among the groups gnomAD compares: African/African-American, 0.013%; no homozygotes.

Submissions (2):

Ambry Genetics
Classification: Uncertain significance. Last evaluated: 2025-12-04. Review status: criteria provided, single submitter. Criteria: Ambry Variant Classification Scheme 2023. Collection method: clinical testing. Allele origin: germline.

Labcorp Genetics (formerly Invitae), Labcorp
Classification: Uncertain significance for MHC class II deficiency. Last evaluated: 2022-07-06. Review status: criteria provided, single submitter. Criteria: Invitae Variant Classification Sherloc (09022015). Collection method: clinical testing. Allele origin: germline.
Comment: This sequence change replaces arginine, which is basic and polar, with glutamine, which is neutral and polar, at codon 294 of the RFX5 protein (p.Arg294Gln). This variant is present in population databases (rs777652681, gnomAD 0.009%). This variant has not been reported in the literature in individuals affected with RFX5-related conditions. ClinVar contains an entry for this variant (Variation ID: 1010260). Algorithms developed to predict the effect of missense changes on protein structure and function are either unavailable or do not agree on the potential impact of this missense change (SIFT: "Tolerated"; PolyPhen-2: "Possibly Damaging"; Align-GVGD: "Class C0"). In summary, the available evidence is currently insufficient to determine the role of this variant in disease. Therefore, it has been classified as a Variant of Uncertain Significance.

NM_001025603.2(RFX5):c.881G>A (p.Arg294Gln)

Gene: RFX5 (regulatory factor X5; minus strand). Cytogenetic location: 1q21.3.
Variant type: single nucleotide variant.
Coding change: c.881G>A on transcript NM_001025603.2 (MANE Select); coding-DNA position 881, G replaced by A.
Protein change: p.Arg294Gln; replaces arginine 294 with glutamine.
Molecular consequence: missense variant.
Genome position (GRCh38, 1-based): chr1:151,343,156, C>T on the plus strand (G>A on the coding strand, the complement: RFX5 is on the minus strand). VCF-style: chr1-151343156-C-T. GRCh37 (hg19) VCF-style: chr1-151315632-C-T.
Other names: c.881G>A (NM_000449.3); c.881G>A, p.Arg294Gln (NM_000449.4, NM_001379412.1, NM_001379413.1 and 5 more transcripts); c.761G>A, p.Arg254Gln (NM_001379419.1, NM_001379420.1); short protein forms R254Q, R294Q.
Identifiers: ClinVar variation 1010260 (VCV001010260.5), dbSNP rs777652681, ClinGen allele CA1089715.
Genomic context (GRCh38, chr1:151,343,156, plus strand): 5'-GCCGAGCTCTCAACTACACTCTTCTTCCGCTCTCCACGTGCGAGAGGACCGGCCCCAGTT[C>T]GGGCTTCCAGATCCTTAGGAGGCTAAAAAGTAAAGAGAGGAACACAGTAAGGTGTGAAGA-3'
Protein context (NP_001020774.1, residues 284-304): LAQPPKDLEA[Arg294Gln]TGAGPLARGE